The following is an entry in ClinVar:

ClinVar aggregate classification (germline): Uncertain significance (1 of 4 stars; one submission).

Allele frequency attached by ClinVar (database versions not stated): gnomAD 0.00001; TOPMed 0.00001; ExAC 0.00002; ESP Exome Variant Server 0.00008.
gnomAD v4.1: 16 of 1,592,804 alleles (0.001%); highest among the groups gnomAD compares: African/African-American, 0.0014%; no homozygotes.

Submission:

Labcorp Genetics (formerly Invitae), Labcorp
Classification: Uncertain significance. Last evaluated: 2022-10-31. Review status: criteria provided, single submitter. Criteria: Invitae Variant Classification Sherloc (09022015). Collection method: clinical testing. Allele origin: germline.
Comment: In summary, the available evidence is currently insufficient to determine the role of this variant in disease. Therefore, it has been classified as a Variant of Uncertain Significance. Advanced modeling of protein sequence and biophysical properties (such as structural, functional, and spatial information, amino acid conservation, physicochemical variation, residue mobility, and thermodynamic stability) has been performed at Invitae for this missense variant, however the output from this modeling did not meet the statistical confidence thresholds required to predict the impact of this variant on JAK2 protein function. This variant has not been reported in the literature in individuals affected with JAK2-related conditions. This variant is present in population databases (rs146383885, gnomAD 0.005%). This sequence change replaces glutamine, which is neutral and polar, with histidine, which is basic and polar, at codon 885 of the JAK2 protein (p.Gln885His).

NM_004972.4(JAK2):c.2655G>C (p.Gln885His)

Genes: INSL6 (insulin like 6; minus strand), JAK2 (Janus kinase 2; plus strand). Cytogenetic location: 9p24.1.
Variant type: single nucleotide variant.
Coding change: c.2655G>C on transcript NM_004972.4 (MANE Select); coding-DNA position 2655, G replaced by C.
Protein change: p.Gln885His; replaces glutamine 885 with histidine.
Molecular consequence: missense variant. On other transcripts: non-coding transcript variant (2).
Genome position (GRCh38, 1-based): chr9:5,089,757, G>C. VCF-style: chr9-5089757-G-C. GRCh37 (hg19) VCF-style: chr9-5089757-G-C.
Other names: c.2655G>C, p.Gln885His (NM_001322194.2, NM_001322195.2, NM_001322196.2); c.1440G>C, p.Gln480His (NM_001322198.2, NM_001322199.2); c.2208G>C, p.Gln736His (NM_001322204.2); short protein forms Q736H, Q480H, Q885H.
Identifiers: ClinVar variation 2790906 (VCV002790906.3), dbSNP rs146383885, ClinGen allele CA4972206.